The following is an entry in ClinVar:

ClinVar aggregate classification (germline): Uncertain significance (1 of 4 stars; one submission).

Conditions:
Acrocallosal syndrome (ACLS). Also called: HALLUX DUPLICATION, POSTAXIAL POLYDACTYLY, AND ABSENCE OF CORPUS CALLOSUM; Schinzel syndrome 1; Absence of corpus callosum with unusual facial appearance, mental deficiency, duplication of the halluces and polydactyly. Identifiers: Orphanet 36, MedGen C0796147, MONDO:0008708, OMIM 200990.

Allele frequency attached by ClinVar (database versions not stated): gnomAD exomes 0.00001; ExAC 0.00002; gnomAD 0.00003; TOPMed 0.00004.
gnomAD v4.1: 8 of 1,612,560 alleles (0.0005%); highest among the groups gnomAD compares: African/African-American, 0.0093%; no homozygotes.

Submission:

Labcorp Genetics (formerly Invitae), Labcorp
Classification: Uncertain significance for Acrocallosal syndrome. Last evaluated: 2023-12-22. Review status: criteria provided, single submitter. Criteria: Invitae Variant Classification Sherloc (09022015). Collection method: clinical testing. Allele origin: germline.
Comment: This sequence change replaces phenylalanine, which is neutral and non-polar, with serine, which is neutral and polar, at codon 1318 of the KIF7 protein (p.Phe1318Ser). This variant is present in population databases (rs768990207, gnomAD 0.03%). This variant has not been reported in the literature in individuals affected with KIF7-related conditions. ClinVar contains an entry for this variant (Variation ID: 2185961). Advanced modeling of protein sequence and biophysical properties (such as structural, functional, and spatial information, amino acid conservation, physicochemical variation, residue mobility, and thermodynamic stability) performed at Invitae indicates that this missense variant is not expected to disrupt KIF7 protein function with a negative predictive value of 80%. In summary, the available evidence is currently insufficient to determine the role of this variant in disease. Therefore, it has been classified as a Variant of Uncertain Significance.

NM_198525.3(KIF7):c.3953T>C (p.Phe1318Ser)

Gene: KIF7 (kinesin family member 7; minus strand). Cytogenetic location: 15q26.1.
Variant type: single nucleotide variant.
Coding change: c.3953T>C on transcript NM_198525.3 (MANE Select); coding-DNA position 3953, T replaced by C.
Protein change: p.Phe1318Ser; replaces phenylalanine 1318 with serine.
Molecular consequence: missense variant.
Genome position (GRCh38, 1-based): chr15:89,628,498, A>G on the plus strand (T>C on the coding strand, the complement: KIF7 is on the minus strand). VCF-style: chr15-89628498-A-G. GRCh37 (hg19) VCF-style: chr15-90171729-A-G.
Other names: short protein forms F1318S.
Identifiers: ClinVar variation 2185961 (VCV002185961.4), dbSNP rs768990207, ClinGen allele CA7727471.